The following is an entry in ClinVar:

NC_000005.9:g.(127648488_127653840)_(127654694_127664387)del

Gene: FBN2 (fibrillin 2; minus strand). Cytogenetic location: 5q23.3.
Variant type: Deletion.
Identifiers: ClinVar variation 1878230 (VCV001878230.1).

ClinVar aggregate classification (germline): Likely pathogenic (1 of 4 stars; one submission).

Conditions:
Familial aortopathy. Identifiers: MedGen CN078214.

Submission:

Women's Health and Genetics/Laboratory Corporation of America, LabCorp
Classification: Likely pathogenic for Familial aortopathy. Last evaluated: 2022-12-07. Review status: criteria provided, single submitter. Criteria: LabCorp Variant Classification Summary - May 2015. Collection method: clinical testing. Allele origin: germline.
Comment: Variant summary: The variant identified by MLPA or other technology involves the deletion of exons 35-36 in the FBN2 gene. A presumed nomenclature of c.(4471+1_4472-1)_(4717+1_4718-1)del has been designated for the purposes of this classification. Although exact breakpoints of this deletion are not known, it is expected to result in a large in-frame deletion change in the FBN2 gene, which results in the deletion of two EGF-like calcium-binding repeats (i.e. repeat 25 and 26; UniProt) at the protein level. The variant was absent in 21694 control chromosomes (gnomAD, Structural Variants dataset). To our knowledge, no occurrence of c.(4471+1_4472-1)_(4717+1_4718-1)del in individuals affected with Aortopathy and no experimental evidence demonstrating its impact on protein function have been reported. One clinical diagnostic laboratory has submitted clinical-significance assessments for this variant to ClinVar after 2014 and classified the variant as pathogenic/likely pathogenic. Based on the evidence outlined above, the variant was classified as likely pathogenic.